The following is an entry in ClinVar:

ClinVar aggregate classification (germline): Uncertain significance. Review status: criteria provided, multiple submitters, no conflicts (2 of 4 stars). 2 submissions from 2 submitters: Uncertain significance (2). Last evaluated 2022-07-12.

Allele frequency attached by ClinVar (database versions not stated): TOPMed 0.00003; gnomAD 0.00004 and 0.00005; gnomAD exomes 0.00004 and 0.00005; ExAC 0.00005.
gnomAD v4.1: 70 of 1,613,936 alleles (0.0043%); highest among the groups gnomAD compares: Middle Eastern, 0.016%; no homozygotes.

Submissions (2):

Ambry Genetics
Classification: Uncertain significance. Last evaluated: 2022-07-12. Review status: criteria provided, single submitter. Criteria: Ambry Variant Classification Scheme 2023. Collection method: clinical testing. Allele origin: germline.

Labcorp Genetics (formerly Invitae), Labcorp
Classification: Uncertain significance. Last evaluated: 2022-04-20. Review status: criteria provided, single submitter. Criteria: Invitae Variant Classification Sherloc (09022015). Collection method: clinical testing. Allele origin: germline.
Comment: This sequence change replaces arginine, which is basic and polar, with histidine, which is basic and polar, at codon 1272 of the CEP250 protein (p.Arg1272His). This variant is present in population databases (rs770550852, gnomAD 0.01%). This variant has not been reported in the literature in individuals affected with CEP250-related conditions. ClinVar contains an entry for this variant (Variation ID: 1052088). Algorithms developed to predict the effect of missense changes on protein structure and function output the following: SIFT: "Not Available"; PolyPhen-2: "Benign"; Align-GVGD: "Not Available". The histidine amino acid residue is found in multiple mammalian species, which suggests that this missense change does not adversely affect protein function. In summary, the available evidence is currently insufficient to determine the role of this variant in disease. Therefore, it has been classified as a Variant of Uncertain Significance.

NM_007186.6(CEP250):c.3815G>A (p.Arg1272His)

Gene: CEP250 (centrosomal protein 250; plus strand). Cytogenetic location: 20q11.22.
Variant type: single nucleotide variant.
Coding change: c.3815G>A on transcript NM_007186.6 (MANE Select); coding-DNA position 3815, G replaced by A.
Protein change: p.Arg1272His; replaces arginine 1272 with histidine.
Molecular consequence: missense variant.
Genome position (GRCh38, 1-based): chr20:35,500,086, G>A. VCF-style: chr20-35500086-G-A. GRCh37 (hg19) VCF-style: chr20-34087915-G-A.
Other names: c.1919G>A, p.Arg640His (NM_001318219.1); c.3815G>A (NM_007186.3); short protein forms R1272H, R640H.
Identifiers: ClinVar variation 1052088 (VCV001052088.10), dbSNP rs770550852, ClinGen allele CA9833582.